The following is an entry in ClinVar:

NM_018834.6(MATR3):c.*2194T>A

Gene: MATR3 (matrin 3; plus strand). Cytogenetic location: 5q31.2.
Variant type: single nucleotide variant.
Coding change: c.*2194T>A on transcript NM_018834.6 (MANE Select); 2194 bases downstream of the stop codon, T replaced by A.
Molecular consequence: 3 prime UTR variant.
Genome position (GRCh38, 1-based): chr5:139,331,589, T>A. VCF-style: chr5-139331589-T-A. GRCh37 (hg19) VCF-style: chr5-138667278-T-A.
Other names: c.*2194T>A (NM_001194954.2, NM_001194955.2, NM_001194956.2 and 2 more transcripts).
Identifiers: ClinVar variation 351184 (VCV000351184.5), dbSNP rs760576225, ClinGen allele CA3433638.

ClinVar aggregate classification (germline): Benign (1 of 4 stars; one submission).

Conditions:
Amyotrophic lateral sclerosis type 21. Also called: VOCAL CORD AND PHARYNGEAL DYSFUNCTION WITH DISTAL MYOPATHY; MYOPATHY, DISTAL, 2. Identifiers: Orphanet 600, Orphanet 803, MedGen C3807521, MONDO:0011632, OMIM 606070.

Allele frequency attached by ClinVar (database versions not stated): gnomAD 0.00001 and 0.00006; TOPMed 0.00005; 1000 Genomes Project 30x 0.00031; ExAC 0.00149.
gnomAD v4.1: 113 of 454,142 alleles (0.025%); highest among the groups gnomAD compares: South Asian, 0.15%; no homozygotes.

Submission:

Illumina Laboratory Services, Illumina
Classification: Benign for Amyotrophic lateral sclerosis type 21. Last evaluated: 2018-01-13. Review status: criteria provided, single submitter. Criteria: ICSL Variant Classification Criteria 13 December 2019. Collection method: clinical testing. Allele origin: germline.
Comment: This variant was observed in the ICSL laboratory as part of a predisposition screen in an ostensibly healthy population. It had not been previously curated by ICSL or reported in the Human Gene Mutation Database (HGMD: prior to June 1st, 2018), and was therefore a candidate for classification through an automated scoring system. Utilizing variant allele frequency, disease prevalence and penetrance estimates, and inheritance mode, an automated score was calculated to assess if this variant is too frequent to cause the disease. Based on the score and internal cut-off values, a variant classified as benign is not then subjected to further curation. The score for this variant resulted in a classification of benign for this disease.